The following is an entry in ClinVar:

NM_006432.5(NPC2):c.129del (p.Thr44fs)

Gene: NPC2 (NPC intracellular cholesterol transporter 2; minus strand). Cytogenetic location: 14q24.3.
Variant type: Deletion.
Coding change: c.129del on transcript NM_006432.5 (MANE Select); coding-DNA position 129, one base deleted (C; older notation c.129delC).
Protein change: p.Thr44fs; shifts the reading frame from threonine 44.
Molecular consequence: frameshift variant.
Genome position (GRCh38, 1-based): chr14:74,486,390, G deleted on the plus strand (C on the coding strand, the reverse complement: NPC2 is on the minus strand); the first of 4 consecutive G bases (chr14:74,486,390-74,486,393); deleting any one gives the same sequence. VCF-style (leftmost placement, unchanged base first): chr14-74486389-TG-T. GRCh37 (hg19) VCF-style: chr14-74953092-TG-T.
Other names: c.129del, p.Thr44fs (NM_001363688.1, NM_001375440.1); short protein forms T44fs.
Identifiers: ClinVar variation 2708050 (VCV002708050.3), dbSNP rs2506107250, ClinGen allele CA2697554017.

ClinVar aggregate classification (germline): Pathogenic (1 of 4 stars; one submission).

Conditions:
Niemann-Pick disease, type C2 (NPC2). Identifiers: Orphanet 646, MedGen C1843366, MONDO:0011873, OMIM 607625.

Submission:

Labcorp Genetics (formerly Invitae), Labcorp
Classification: Pathogenic for Niemann-Pick disease, type C2. Last evaluated: 2024-01-07. Review status: criteria provided, single submitter. Criteria: Invitae Variant Classification Sherloc (09022015). Collection method: clinical testing. Allele origin: germline.
Comment: This sequence change creates a premature translational stop signal (p.Thr44Profs*6) in the NPC2 gene. It is expected to result in an absent or disrupted protein product. Loss-of-function variants in NPC2 are known to be pathogenic (PMID: 25145893). This variant is not present in population databases (gnomAD no frequency). This variant has not been reported in the literature in individuals affected with NPC2-related conditions. For these reasons, this variant has been classified as Pathogenic.

Literature cited by the submitters: PubMed 25145893.